The following is an entry in ClinVar:

ClinVar aggregate classification (germline): Uncertain significance (1 of 4 stars; one submission).

Allele frequency attached by ClinVar (database versions not stated): gnomAD exomes below 0.00001.
gnomAD v4.1: 1 of 1,614,184 alleles (0.000062%); highest among the groups gnomAD compares: Non-Finnish European, 0.000085%; no homozygotes.

Submission:

Labcorp Genetics (formerly Invitae), Labcorp
Classification: Uncertain significance. Last evaluated: 2021-09-20. Review status: criteria provided, single submitter. Criteria: Invitae Variant Classification Sherloc (09022015). Collection method: clinical testing. Allele origin: germline.
Comment: This sequence change replaces tryptophan with glycine at codon 371 of the WFS1 protein (p.Trp371Gly). The tryptophan residue is moderately conserved and there is a large physicochemical difference between tryptophan and glycine. This variant is not present in population databases (ExAC no frequency). This variant has not been reported in the literature in individuals affected with WFS1-related conditions. Algorithms developed to predict the effect of missense changes on protein structure and function are either unavailable or do not agree on the potential impact of this missense change (SIFT: "Deleterious"; PolyPhen-2: "Probably Damaging"; Align-GVGD: "Class C0"). In summary, the available evidence is currently insufficient to determine the role of this variant in disease. Therefore, it has been classified as a Variant of Uncertain Significance.

NM_006005.3(WFS1):c.1111T>G (p.Trp371Gly)

Gene: WFS1 (wolframin ER transmembrane glycoprotein; plus strand). Cytogenetic location: 4p16.1.
Variant type: single nucleotide variant.
Coding change: c.1111T>G on transcript NM_006005.3 (MANE Select); coding-DNA position 1111, T replaced by G.
Protein change: p.Trp371Gly; replaces tryptophan 371 with glycine.
Molecular consequence: missense variant.
Genome position (GRCh38, 1-based): chr4:6,300,906, T>G. VCF-style: chr4-6300906-T-G. GRCh37 (hg19) VCF-style: chr4-6302633-T-G.
Other names: c.1111T>G, p.Trp371Gly (NM_001145853.1); short protein forms W371G.
Identifiers: ClinVar variation 1520543 (VCV001520543.6), dbSNP rs2109125335, ClinGen allele CA356174278.
Genomic context (GRCh38, chr4:6,300,906, plus strand): 5'-TACCTGTCCTTCATCTCCATGGTGATCTGCACCCTCAAGGTGTTCCAGGACAGCAAGGCC[T>G]GGGAGAACTTCCGCACCCTCACCGACCTGCTGCTGCGCTTCGAGCCCAACCTGGATGTGG-3'
Protein context (NP_005996.2, residues 361-381): TLKVFQDSKA[Trp371Gly]ENFRTLTDLL